The following is an entry in ClinVar:

ClinVar aggregate classification (germline): Pathogenic (1 of 4 stars; one submission).
ClinVar aggregate classification (oncogenicity): Likely oncogenic (1 of 4 stars; one submission).

Conditions:
Ataxia-telangiectasia syndrome (AT). Also called: LOUIS-BAR SYNDROME; Cerebello-oculocutaneous telangiectasia; Immunodeficiency with ataxia telangiectasia; Ataxia-telangiectasia, complementation group E; Ataxia-telangiectasia, complementation group D; AT, COMPLEMENTATION GROUP C. Identifiers: Orphanet 100, MedGen C0004135, MONDO:0008840, OMIM 208900.
Neoplasm. Also called: tumor; Neoplasms; Neoplasm (disease). Identifiers: MedGen C0027651, MeSH D009369, MONDO:0005070, HP:0002664.

Submissions (2):

Center for Genomic Medicine, Rigshospitalet, Copenhagen University Hospital
Classification: Likely oncogenic for Neoplasm. Last evaluated: 2025-12-29. Review status: criteria provided, single submitter. Criteria: ClinGen/CGC/VICC Guidelines for Oncogenicity, 2022. Collection method: clinical testing. Allele origin: somatic. Affected: yes.

Women's Health and Genetics/Laboratory Corporation of America, LabCorp
Classification: Pathogenic for Ataxia-telangiectasia syndrome. Last evaluated: 2025-04-22. Review status: criteria provided, single submitter. Criteria: LabCorp Variant Classification Summary - May 2015. Collection method: clinical testing. Allele origin: germline.
Comment: Variant summary: ATM c.8733delC (p.Arg2912GlufsX26) results in a premature termination codon, predicted to cause a truncation of the encoded protein or absence of the protein due to nonsense mediated decay, which are commonly known mechanisms for disease. The variant was absent in 251450 control chromosomes. To our knowledge, no occurrence of c.8733delC in individuals affected with Ataxia-Telangiectasia and no experimental evidence demonstrating its impact on protein function have been reported. ClinVar contains an entry for this variant (Variation ID: 2506172). Based on the evidence outlined above, the variant was classified as pathogenic.

NM_000051.4(ATM):c.8733del (p.Arg2912fs)

Genes: ATM (ATM serine/threonine kinase; plus strand), C11orf65 (chromosome 11 open reading frame 65; minus strand). Cytogenetic location: 11q22.3.
Variant type: Deletion.
Coding change: c.8733del on transcript NM_000051.4 (MANE Select); coding-DNA position 8733, one base deleted (C; older notation c.8733delC).
Protein change: p.Arg2912fs; shifts the reading frame from arginine 2912.
Molecular consequence: frameshift variant. On other transcripts: intron variant (2).
Genome position (GRCh38, 1-based): chr11:108,353,827, C deleted; the last of 2 consecutive C bases (chr11:108,353,826-108,353,827); deleting either gives the same sequence. VCF-style (leftmost placement, unchanged base first): chr11-108353825-AC-A. GRCh37 (hg19) VCF-style: chr11-108224552-AC-A.
Other names: c.8733delC (NM_000051.4); c.8733del, p.Arg2912fs (NM_001351834.2); c.640+32094del (NM_001330368.2); c.695-18534del (NM_001351110.2); short protein forms R2912fs.
Identifiers: ClinVar variation 2506172 (VCV002506172.3), dbSNP rs2547516982, ClinGen allele CA2580615027.
Genomic context (GRCh38, chr11:108,353,825, plus strand): 5'-GGTGTTGCTTTTGAACAGGGCAAAATCCTTCCTACTCCTGAGACAGTTCCTTTTAGACTC[AC>A]CAGAGATATTGTGGATGGCATGGGCATTACGGGTGTTGAAGGTGTCTTCAGAAGGTAAGT-3'